The following is an entry in ClinVar:

NM_000179.3(MSH6):c.2749G>A (p.Asp917Asn)

Gene: MSH6 (mutS homolog 6; plus strand). Cytogenetic location: 2p16.3.
Variant type: single nucleotide variant.
Coding change: c.2749G>A on transcript NM_000179.3 (MANE Select); coding-DNA position 2749, G replaced by A.
Protein change: p.Asp917Asn; replaces aspartic acid 917 with asparagine.
Molecular consequence: missense variant.
Genome position (GRCh38, 1-based): chr2:47,800,732, G>A. VCF-style: chr2-47800732-G-A. GRCh37 (hg19) VCF-style: chr2-48027871-G-A.
Other names: c.2359G>A, p.Asp787Asn (NM_001281492.2); c.1843G>A, p.Asp615Asn (NM_001281493.2, NM_001281494.2, NM_001406811.1 and 6 more transcripts); c.2845G>A, p.Asp949Asn (NM_001406795.1, NM_001406802.1); c.2749G>A, p.Asp917Asn (NM_001406796.1, NM_001406798.1, NM_001406800.1 and 2 more transcripts); c.2452G>A, p.Asp818Asn (NM_001406797.1, NM_001406801.1, NM_001406805.1 and 10 more transcripts); c.2224G>A, p.Asp742Asn (NM_001406799.1, NM_001406806.1, NM_001406807.1); c.2671G>A, p.Asp891Asn (NM_001406804.1); c.2755G>A, p.Asp919Asn (NM_001406813.1); and 2 more; short protein forms D787N, D861N, D919N, D949N, D891N, D917N, D232N, D615N.
Identifiers: ClinVar variation 1795519 (VCV001795519.2), dbSNP rs2104422257, ClinGen allele CA346755413.

ClinVar aggregate classification (germline): Uncertain significance (1 of 4 stars; one submission).

Conditions:
Hereditary cancer-predisposing syndrome. Also called: Tumor predisposition; Hereditary Cancer Syndrome; Neoplastic Syndromes, Hereditary; Hereditary neoplastic syndrome. Identifiers: Orphanet 140162, MedGen C0027672, MeSH D009386, MONDO:0015356.

Submission:

Ambry Genetics
Classification: Uncertain significance for Hereditary cancer-predisposing syndrome. Last evaluated: 2021-04-21. Review status: criteria provided, single submitter. Criteria: Ambry Variant Classification Scheme 2023. Collection method: clinical testing. Allele origin: germline.
Comment: The p.D917N variant (also known as c.2749G>A), located in coding exon 4 of the MSH6 gene, results from a G to A substitution at nucleotide position 2749. The aspartic acid at codon 917 is replaced by asparagine, an amino acid with highly similar properties. This amino acid position is highly conserved in available vertebrate species. In addition, the in silico prediction for this alteration is inconclusive. Since supporting evidence is limited at this time, the clinical significance of this alteration remains unclear.